The following is an entry in ClinVar:

NM_007294.4(BRCA1):c.1483G>T (p.Glu495Ter)

Gene: BRCA1 (BRCA1 DNA repair associated; minus strand). Cytogenetic location: 17q21.31.
Variant type: single nucleotide variant.
Coding change: c.1483G>T on transcript NM_007294.4 (MANE Select); coding-DNA position 1483, G replaced by T.
Protein change: p.Glu495Ter; replaces glutamic acid 495 with a stop codon.
Molecular consequence: nonsense. On other transcripts: intron variant (137).
Genome position (GRCh38, 1-based): chr17:43,094,048, C>A on the plus strand (G>T on the coding strand, the complement: BRCA1 is on the minus strand). VCF-style: chr17-43094048-C-A. GRCh37 (hg19) VCF-style: chr17-41246065-C-A.
Other names: c.1270G>T, p.Glu424Ter (NM_001407571.1, NM_001407853.1, NM_001407894.1 and 9 more transcripts); c.1483G>T, p.Glu495Ter (NM_001407581.1, NM_001407582.1, NM_001407583.1 and 30 more transcripts); c.1480G>T, p.Glu494Ter (NM_001407587.1, NM_001407590.1, NM_001407591.1 and 22 more transcripts); c.1474G>T, p.Glu492Ter (NM_001407646.1, NM_001407647.1); c.1360G>T, p.Glu454Ter (NM_001407648.1, NM_001407664.1, NM_001407665.1 and 19 more transcripts); c.1357G>T, p.Glu453Ter (NM_001407649.1, NM_001407670.1, NM_001407671.1 and 11 more transcripts); c.1405G>T, p.Glu469Ter (NM_001407653.1, NM_001407654.1, NM_001407655.1 and 4 more transcripts); c.1402G>T, p.Glu468Ter (NM_001407659.1, NM_001407660.1, NM_001407661.1 and 1 more transcripts); and 40 more; short protein forms E448*, E495*, E367*, E383*, E384*, E425*, E447*, E468*.
Identifiers: ClinVar variation 1687137 (VCV001687137.4), dbSNP rs2053932763, ClinGen allele CA10599079.

ClinVar aggregate classification (germline): Pathogenic. Review status: criteria provided, single submitter (1 of 4 stars). 2 submissions from 2 submitters: Pathogenic (1). 1 of the submissions does not count toward it. Last evaluated 2019-07-26.

Conditions:
Hereditary cancer-predisposing syndrome. Also called: Hereditary Cancer Syndrome; Hereditary neoplastic syndrome; Neoplastic Syndromes, Hereditary; Tumor predisposition. Identifiers: Orphanet 140162, MedGen C0027672, MeSH D009386, MONDO:0015356.
Familial cancer of breast. Also called: BREAST CANCER, FAMILIAL; Hereditary breast cancer; hereditary breast carcinoma. Identifiers: Orphanet 227535, MedGen C0346153, MONDO:0016419, OMIM 114480. Disease mechanism: loss of function.

Submissions (2):

Ambry Genetics
Classification: Pathogenic for Hereditary cancer-predisposing syndrome. Last evaluated: 2019-07-26. Review status: criteria provided, single submitter. Criteria: Ambry Variant Classification Scheme 2023. Collection method: clinical testing. Allele origin: germline.
Comment: The p.E495* pathogenic mutation (also known as c.1483G>T), located in coding exon 9 of the BRCA1 gene, results from a G to T substitution at nucleotide position 1483. This changes the amino acid from a glutamic acid to a stop codon within coding exon 9. This alteration is expected to result in loss of function by premature protein truncation or nonsense-mediated mRNA decay. As such, this alteration is interpreted as a disease-causing mutation.

Center for Precision Medicine, Meizhou People's Hospital
Classification: Pathogenic for Familial cancer of breast. Review status: no assertion criteria provided. Collection method: literature only. Allele origin: germline. Affected: yes. Not counted in ClinVar's aggregate classification.

Literature cited by the submitters: PubMed 20104584 (cited by Center for Precision Medicine, Meizhou People's Hospital); PubMed 9150149 (cited by Center for Precision Medicine, Meizhou People's Hospital).